The following is an entry in ClinVar:

NM_006614.4(CHL1):c.2923A>T (p.Thr975Ser)

Gene: CHL1 (cell adhesion molecule L1 like; plus strand). Cytogenetic location: 3p26.3.
Variant type: single nucleotide variant.
Coding change: c.2923A>T on transcript NM_006614.4 (MANE Select); coding-DNA position 2923, A replaced by T.
Protein change: p.Thr975Ser; replaces threonine 975 with serine.
Molecular consequence: missense variant.
Genome position (GRCh38, 1-based): chr3:394,701, A>T. VCF-style: chr3-394701-A-T. GRCh37 (hg19) VCF-style: chr3-436384-A-T.
Other names: c.2875A>T, p.Thr959Ser (NM_001253387.2); c.2923A>T, p.Thr975Ser (NM_001253388.1); short protein forms T959S, T975S.
Identifiers: ClinVar variation 790345 (VCV000790345.27), dbSNP rs145162591, ClinGen allele CA2225305.
Genomic context (GRCh38, chr3:394,701, plus strand): 5'-CAACTTGAATGGTTAAATACATTTGAGCTGTTGTTCATGTTTATTTTTTTAGTAAATGAC[A>T]CCTACGAGATTGGAGAATTAAATGATATTAACATTACAACTCCATCAAAGCCCAGCTGGC-3'
Protein context (NP_006605.2, residues 965-985): YLLQYQIIND[Thr975Ser]YEIGELNDIN

ClinVar aggregate classification (germline): Benign/Likely benign. Review status: criteria provided, multiple submitters, no conflicts (2 of 4 stars). 3 submissions from 3 submitters: Benign (1); Likely benign (2). Last evaluated 2024-02-01.

Allele frequency attached by ClinVar (database versions not stated): 1000 Genomes Project 30x 0.00297; 1000 Genomes Project 0.00300; gnomAD 0.00627; TOPMed 0.00745; ESP Exome Variant Server 0.00877.
gnomAD v4.1: 14,702 of 1,607,794 alleles (0.91%); highest among the groups gnomAD compares: Non-Finnish European, 1.1%; 78 homozygotes.

Submissions (3):

CeGaT Center for Human Genetics Tuebingen
Classification: Benign. Last evaluated: 2024-02-01. Review status: criteria provided, single submitter. Criteria: CeGaT Center For Human Genetics Tuebingen Variant Classification Criteria Version 2. Collection method: clinical testing. Allele origin: germline. Affected: yes. Observed: 1 variant allele.
Comment: CHL1: BS1, BS2

Labcorp Genetics (formerly Invitae), Labcorp
Classification: Likely benign. Last evaluated: 2019-12-31. Review status: criteria provided, single submitter. Criteria: Invitae Variant Classification Sherloc (09022015). Collection method: clinical testing. Allele origin: germline.

Breakthrough Genomics
Classification: Likely benign. Review status: criteria provided, single submitter. Criteria: ACMG Guidelines, 2015. Collection method: not provided. Allele origin: germline. Inheritance: Unknown mechanism. Affected: yes.